The following is an entry in ClinVar:

ClinVar aggregate classification (germline): Uncertain significance (1 of 4 stars; one submission).

Conditions:
Ataxia-telangiectasia syndrome (AT). Also called: Ataxia telangiectasia (A-T); LOUIS-BAR SYNDROME; Cerebello-oculocutaneous telangiectasia; Immunodeficiency with ataxia telangiectasia; Ataxia-telangiectasia, complementation group D; AT, COMPLEMENTATION GROUP C. Identifiers: Orphanet 100, MedGen C0004135, MONDO:0008840, OMIM 208900.

Submission:

Labcorp Genetics (formerly Invitae), Labcorp
Classification: Uncertain significance for Ataxia-telangiectasia syndrome. Last evaluated: 2024-02-22. Review status: criteria provided, single submitter. Criteria: Invitae Variant Classification Sherloc (09022015). Collection method: clinical testing. Allele origin: germline.
Comment: This sequence change replaces phenylalanine, which is neutral and non-polar, with isoleucine, which is neutral and non-polar, at codon 2927 of the ATM protein (p.Phe2927Ile). This variant is not present in population databases (gnomAD no frequency). This variant has not been reported in the literature in individuals affected with ATM-related conditions. ClinVar contains an entry for this variant (Variation ID: 1719544). An algorithm developed to predict the effect of missense changes on protein structure and function (PolyPhen-2) suggests that this variant is likely to be disruptive. In summary, the available evidence is currently insufficient to determine the role of this variant in disease. Therefore, it has been classified as a Variant of Uncertain Significance.

NM_000051.4(ATM):c.8779T>A (p.Phe2927Ile)

Genes: C11orf65 (chromosome 11 open reading frame 65; minus strand), ATM (ATM serine/threonine kinase; plus strand). Cytogenetic location: 11q22.3.
Variant type: single nucleotide variant.
Coding change: c.8779T>A on transcript NM_000051.4 (MANE Select); coding-DNA position 8779, T replaced by A.
Protein change: p.Phe2927Ile; replaces phenylalanine 2927 with isoleucine.
Molecular consequence: missense variant. On other transcripts: intron variant (2).
Genome position (GRCh38, 1-based): chr11:108,353,873, T>A. VCF-style: chr11-108353873-T-A. GRCh37 (hg19) VCF-style: chr11-108224600-T-A.
Other names: c.8779T>A, p.Phe2927Ile (NM_001351834.2); c.640+32047A>T (NM_001330368.2); c.695-18581A>T (NM_001351110.2); short protein forms F2927I.
Identifiers: ClinVar variation 1719544 (VCV001719544.6), dbSNP rs2547518582, ClinGen allele CA382524316.